The following is an entry in ClinVar:

NM_003859.3(DPM1):c.634G>C (p.Glu212Gln)

Genes: ADNP-AS1 (ADNP antisense RNA 1; plus strand), DPM1 (dolichyl-phosphate mannosyltransferase subunit 1, catalytic; minus strand). Cytogenetic location: 20q13.13.
Variant type: single nucleotide variant.
Coding change: c.634G>C on transcript NM_003859.3 (MANE Select); coding-DNA position 634, G replaced by C.
Protein change: p.Glu212Gln; replaces glutamic acid 212 with glutamine.
Molecular consequence: missense variant. On other transcripts: non-coding transcript variant (1).
Genome position (GRCh38, 1-based): chr20:50,936,192, C>G on the plus strand (G>C on the coding strand, the complement: DPM1 is on the minus strand). VCF-style: chr20-50936192-C-G. GRCh37 (hg19) VCF-style: chr20-49552729-C-G.
Other names: c.739G>C, p.Glu247Gln (NM_001317034.1); c.715G>C, p.Glu239Gln (NM_001317035.1); c.565G>C, p.Glu189Gln (NM_001317036.1); short protein forms E212Q, E189Q, E239Q, E247Q.
Identifiers: ClinVar variation 393160 (VCV000393160.2), dbSNP rs765866526, ClinGen allele CA16609046.

ClinVar aggregate classification (germline): Uncertain significance (1 of 4 stars; one submission).

gnomAD v4.1: 2 of 1,613,810 alleles (0.00012%); highest among the groups gnomAD compares: Non-Finnish European, 0.00017%; no homozygotes.

Submission:

GeneDx
Classification: Uncertain significance. Last evaluated: 2017-01-24. Review status: criteria provided, single submitter. Criteria: GeneDx Variant Classification (06012015). Collection method: clinical testing. Allele origin: germline. Affected: yes.
Comment: A variant of uncertain significance has been identified in the DPM1 gene. The E212Q variant has not been published as a pathogenic variant, nor has it been reported as a benign variant to our knowledge. The E212Q variant is not observed in large population cohorts (Lek et al., 2016; 1000 Genomes Consortium et al., 2015; Exome Variant Server). The E212Q variant is a semi-conservative amino acid substitution, which may impact secondary protein structure as these residues differ in some properties. This substitution occurs at a position that is conserved across species and in silico analysis predicts this variant is probably damaging to the protein structure/function. However, missense variants in nearby residues have not been reported in Human Gene Mutation Database in association with DPM1-related disorders (Stenson et al., 2014). Therefore, based on the currently available information, it is unclear whether this variant is a pathogenic variant or a rare benign variant.